The following is an entry in ClinVar:

NM_032408.4(BAZ1B):c.48G>T (p.Leu16Phe)

Genes: BAZ1B (bromodomain adjacent to zinc finger domain 1B; minus strand), LOC129998587 (ATAC-STARR-seq lymphoblastoid silent region 18248; plus strand). Cytogenetic location: 7q11.23.
Variant type: single nucleotide variant.
Coding change: c.48G>T on transcript NM_032408.4 (MANE Select); coding-DNA position 48, G replaced by T.
Protein change: p.Leu16Phe; replaces leucine 16 with phenylalanine.
Molecular consequence: missense variant.
Genome position (GRCh38, 1-based): chr7:73,521,886, C>A on the plus strand (G>T on the coding strand, the complement: BAZ1B is on the minus strand). VCF-style: chr7-73521886-C-A. GRCh37 (hg19) VCF-style: chr7-72936216-C-A.
Other names: c.48G>T, p.Leu16Phe (NM_001370402.1); short protein forms L16F.
Identifiers: ClinVar variation 959747 (VCV000959747.10), dbSNP rs898727996, ClinGen allele CA367826520.
Genomic context (GRCh38, chr7:73,521,886, plus strand): 5'-CTCCCGGGTGCGGAAGGCCTCCTGAGTGTGCGGGATGGTGAAGAGCGGCTCCTCTCCGGG[C>A]AACGGCTTCACCAGCGGGAAGGGCTTGCGGCCCAGGAGCGGCGCCATCGCGGCGGCGGCG-3'
Protein context (NP_115784.1, residues 6-26): GRKPFPLVKP[Leu16Phe]PGEEPLFTIP

ClinVar aggregate classification (germline): Uncertain significance (1 of 4 stars; one submission).

Allele frequency attached by ClinVar (database versions not stated): gnomAD 0.00001; gnomAD exomes 0.00002.
gnomAD v4.1: 13 of 1,501,902 alleles (0.00087%); highest among the groups gnomAD compares: Non-Finnish European, 0.0012%; no homozygotes.

Submission:

Labcorp Genetics (formerly Invitae), Labcorp
Classification: Uncertain significance. Last evaluated: 2019-11-19. Review status: criteria provided, single submitter. Criteria: Invitae Variant Classification Sherloc (09022015). Collection method: clinical testing. Allele origin: germline.
Comment: This sequence change replaces leucine with phenylalanine at codon 16 of the BAZ1B protein (p.Leu16Phe). The leucine residue is moderately conserved and there is a small physicochemical difference between leucine and phenylalanine. This variant is not present in population databases (ExAC no frequency). This variant has not been reported in the literature in individuals with BAZ1B-related conditions. Algorithms developed to predict the effect of missense changes on protein structure and function are either unavailable or do not agree on the potential impact of this missense change (SIFT: "Tolerated"; PolyPhen-2: "Probably Damaging"; Align-GVGD: "Class C0"). In summary, the available evidence is currently insufficient to determine the role of this variant in disease. Therefore, it has been classified as a Variant of Uncertain Significance.